The following is an entry in ClinVar:

ClinVar aggregate classification (germline): Pathogenic. Review status: criteria provided, multiple submitters, no conflicts (2 of 4 stars). 3 submissions from 3 submitters: Pathogenic (3). Last evaluated 2025-07-31.

Conditions:
Hereditary nonpolyposis colorectal neoplasms. Identifiers: MedGen C0009405, MeSH D003123.
Hereditary cancer-predisposing syndrome. Also called: Tumor predisposition; Hereditary neoplastic syndrome; Neoplastic Syndromes, Hereditary; Hereditary Cancer Syndrome. Identifiers: Orphanet 140162, MedGen C0027672, MeSH D009386, MONDO:0015356.
Lynch syndrome 5 (LYNCH5). Also called: Hereditary non-polyposis colorectal cancer, type 5; Colorectal cancer, hereditary nonpolyposis, type 5. Identifiers: Orphanet 144, MedGen C1833477, MONDO:0013710, OMIM 614350. Disease mechanism: loss of function.

Submissions (3):

Labcorp Genetics (formerly Invitae), Labcorp
Classification: Pathogenic for Hereditary nonpolyposis colorectal neoplasms. Last evaluated: 2025-07-31. Review status: criteria provided, single submitter. Criteria: Invitae Variant Classification Sherloc (09022015). Collection method: clinical testing. Allele origin: germline.
Comment: This sequence change creates a premature translational stop signal (p.Asp257Glufs*6) in the MSH6 gene. It is expected to result in an absent or disrupted protein product. Loss-of-function variants in MSH6 are known to be pathogenic (PMID: 18269114, 24362816). This variant is not present in population databases (gnomAD no frequency). This variant has not been reported in the literature in individuals affected with MSH6-related conditions. ClinVar contains an entry for this variant (Variation ID: 1361974). For these reasons, this variant has been classified as Pathogenic.

Ambry Genetics
Classification: Pathogenic for Hereditary cancer-predisposing syndrome. Last evaluated: 2025-01-09. Review status: criteria provided, single submitter. Criteria: Ambry Variant Classification Scheme 2023. Collection method: clinical testing. Allele origin: germline.
Comment: The c.770dupA pathogenic mutation, located in coding exon 4 of the MSH6 gene, results from a duplication of A at nucleotide position 770, causing a translational frameshift with a predicted alternate stop codon (p.D257Efs*6). This variant is considered to be rare based on population cohorts in the Genome Aggregation Database (gnomAD). This alteration is expected to result in loss of function by premature protein truncation or nonsense-mediated mRNA decay. As such, this alteration is interpreted as a disease-causing mutation.

Myriad Genetics, Inc.
Classification: Pathogenic for Lynch syndrome 5. Last evaluated: 2023-08-10. Review status: criteria provided, single submitter. Criteria: Myriad Autosomal Dominant, Autosomal Recessive and X-Linked Classification Criteria (2023). Collection method: clinical testing. Allele origin: unknown.
Comment: This variant is considered pathogenic. This variant creates a frameshift predicted to result in premature protein truncation.

Literature cited by the submitters: PubMed 18269114 (cited by Labcorp Genetics (formerly Invitae), Labcorp); PubMed 24362816 (cited by Labcorp Genetics (formerly Invitae), Labcorp).

NM_000179.3(MSH6):c.770dup (p.Asp257fs)

Gene: MSH6 (mutS homolog 6; plus strand). Cytogenetic location: 2p16.3.
Variant type: Duplication.
Coding change: c.770dup on transcript NM_000179.3 (MANE Select); coding-DNA position 770, one base duplicated (A; older notation c.770dupA).
Protein change: p.Asp257fs; shifts the reading frame from aspartic acid 257.
Molecular consequence: frameshift variant. On other transcripts: 5 prime UTR variant (2).
Genome position (GRCh38, 1-based): chr2:47,798,753, A duplicated. VCF-style (leftmost placement, unchanged base first): chr2-47798752-G-GA. GRCh37 (hg19) VCF-style: chr2-48025891-G-GA.
Other names: c.380dup, p.Asp127fs (NM_001281492.2); c.-137dup (NM_001281493.2, NM_001281494.2); short protein forms D127fs, D257fs.
Identifiers: ClinVar variation 1361974 (VCV001361974.10), dbSNP rs2104296608, ClinGen allele CA2573134904.